The following is an entry in ClinVar:

NM_000391.4(TPP1):c.163C>G (p.Gln55Glu)

Gene: TPP1 (tripeptidyl peptidase 1; minus strand). Cytogenetic location: 11p15.4.
Variant type: single nucleotide variant.
Coding change: c.163C>G on transcript NM_000391.4 (MANE Select); coding-DNA position 163, C replaced by G.
Protein change: p.Gln55Glu; replaces glutamine 55 with glutamic acid.
Molecular consequence: missense variant.
Genome position (GRCh38, 1-based): chr11:6,618,842, G>C on the plus strand (C>G on the coding strand, the complement: TPP1 is on the minus strand). VCF-style: chr11-6618842-G-C. GRCh37 (hg19) VCF-style: chr11-6640073-G-C.
Other names: short protein forms Q55E.
Identifiers: ClinVar variation 643901 (VCV000643901.17), dbSNP rs1315730321, ClinGen allele CA379476772.
Genomic context (GRCh38, chr11:6,618,842, plus strand): 5'-GAGGAGAGCTGGGATCCGACACAGCCTGCACCAGCTCCGAGAGTCTTTCCACATTCTGCT[G>C]TCTCAGGGCAAAGGTGAGACTCAGCTCTTCCTCAGGGTCCGCACGGCCCAGGGACACCCA-3'
Protein context (NP_000382.3, residues 45-65): EELSLTFALR[Gln55Glu]QNVERLSELV

ClinVar aggregate classification (germline): Conflicting classifications of pathogenicity. Review status: criteria provided, conflicting classifications (1 of 4 stars). 4 submissions from 4 submitters: Likely pathogenic (2); Uncertain significance (1). 1 of the submissions does not count toward it. Last evaluated 2026-02-05.

Conditions:
Neuronal ceroid lipofuscinosis. Also called: Neuronal Ceroid Lipofuscinoses. Identifiers: Orphanet 216, Orphanet 79263, MedGen C0027877, MONDO:0016295. Disease mechanism: loss of function.
Neuronal ceroid lipofuscinosis 2. Also called: TPP1-Related Neuronal Ceroid-Lipofuscinosis; JANSKY-BIELSCHOWSKY DISEASE NEURONAL CEROID LIPOFUSCINOSIS, LATE INFANTILE. Identifiers: Orphanet 168491, Orphanet 228349, Orphanet 79264, MedGen C1876161, MONDO:0008769, OMIM 204500.

Allele frequency attached by ClinVar (database versions not stated): TOPMed below 0.00001; gnomAD 0.00001; gnomAD exomes 0.00001.
gnomAD v4.1: 18 of 1,613,978 alleles (0.0011%); highest among the groups gnomAD compares: African/African-American, 0.0027%; no homozygotes.

Submissions (4):

Myriad Genetics, Inc.
Classification: Uncertain significance for Neuronal ceroid lipofuscinosis 2. Last evaluated: 2026-02-05. Review status: criteria provided, single submitter. Criteria: Myriad Autosomal Dominant, Autosomal Recessive and X-Linked Classification Criteria (2023). Collection method: clinical testing. Allele origin: unknown.
Comment: NM_000391.3(TPP1):c.163C>G(Q55E) is a missense variant classified as a variant of uncertain significance in the context of TPP1-related neuronal ceroid lipofuscinosis. Q55E has not been observed in cases with relevant disease. Relevant functional assessments of this variant are not available in the literature. Q55E has been observed in referenced population frequency databases. In summary, there is insufficient evidence to classify NM_000391.3(TPP1):c.163C>G(Q55E) as pathogenic or benign. Please note: this variant was assessed in the context of healthy population screening.

Women's Health and Genetics/Laboratory Corporation of America, LabCorp
Classification: Likely pathogenic for Neuronal ceroid lipofuscinosis. Last evaluated: 2025-09-29. Review status: criteria provided, single submitter. Criteria: LabCorp Variant Classification Summary - May 2015. Collection method: clinical testing. Allele origin: germline.
Comment: Variant summary: TPP1 c.163C>G (p.Gln55Glu) results in a conservative amino acid change located in the pro-kumamolisin, activation domain (IPR015366) of the encoded protein sequence. Algorithms developed to predict the effect of missense changes on protein structure and function are either unavailable or do not agree on the potential impact of this missense change. The variant allele was found at a frequency of 8e-06 in 251366 control chromosomes. c.163C>G has been observed in individuals affected with Neuronal Ceroid-Lipofuscinosis (Batten Disease) (LCG internal data). These data indicate that the variant may be associated with disease. To our knowledge, no experimental evidence demonstrating an impact on protein function has been reported. ClinVar contains an entry for this variant (Variation ID: 643901). Based on the evidence outlined above, the variant was classified as likely pathogenic.

Labcorp Genetics (formerly Invitae), Labcorp
Classification: Likely pathogenic. Last evaluated: 2025-04-17. Review status: criteria provided, single submitter. Criteria: Invitae Variant Classification Sherloc (09022015). Collection method: clinical testing. Allele origin: germline.
Comment: This sequence change replaces glutamine, which is neutral and polar, with glutamic acid, which is acidic and polar, at codon 55 of the TPP1 protein (p.Gln55Glu). This variant is present in population databases (no rsID available, gnomAD 0.007%). This missense change has been observed in individual(s) with clinical features of neuronal ceroid lipofuscinosis (internal data). In at least one individual the data is consistent with being in trans (on the opposite chromosome) from a pathogenic variant. It has also been observed to segregate with disease in related individuals. ClinVar contains an entry for this variant (Variation ID: 643901). Invitae Evidence Modeling of protein sequence and biophysical properties (such as structural, functional, and spatial information, amino acid conservation, physicochemical variation, residue mobility, and thermodynamic stability) has been performed for this missense variant. However, the output from this modeling did not meet the statistical confidence thresholds required to predict the impact of this variant on TPP1 protein function. In summary, the currently available evidence indicates that the variant is pathogenic, but additional data are needed to prove that conclusively. Therefore, this variant has been classified as Likely Pathogenic.

Natera, Inc.
Classification: Uncertain significance for Neuronal ceroid lipofuscinosis 2. Last evaluated: 2020-03-27. Review status: no assertion criteria provided. Collection method: clinical testing. Allele origin: germline. Not counted in ClinVar's aggregate classification.